The following is an entry in ClinVar:

ClinVar aggregate classification (germline): Uncertain significance. Review status: criteria provided, multiple submitters, no conflicts (2 of 4 stars). 4 submissions from 4 submitters: Uncertain significance (4). Last evaluated 2025-03-27.

Conditions:
Inborn genetic diseases. Identifiers: MedGen C0950123, MeSH D030342.
Cholestasis, progressive familial intrahepatic, 10 (PFIC10). Identifiers: MedGen C5676981, MONDO:0030810, OMIM 619868.
Congenital microvillous atrophy (DIAR2). Also called: DAVIDSON DISEASE; MICROVILLUS ATROPHY, CONGENITAL; Microvillus inclusion disease; Diarrhea 2 with microvillus atrophy, with or without cholestasis; CONGENITAL FAMILIAL PROTRACTED DIARRHEA WITH ENTEROCYTE BRUSH-BORDER ABNORMALITIES. Identifiers: Orphanet 2290, MedGen C0341306, MONDO:0009635, OMIM 251850.

Allele frequency attached by ClinVar (database versions not stated): ExAC 0.00009; gnomAD 0.00009 and 0.00010; gnomAD exomes 0.00010; TOPMed 0.00011; ESP Exome Variant Server 0.00033.
gnomAD v4.1: 150 of 1,613,960 alleles (0.0093%); highest among the groups gnomAD compares: Middle Eastern, 0.12%; no homozygotes.

Submissions (4):

Ambry Genetics
Classification: Uncertain significance for Inborn genetic diseases. Last evaluated: 2025-03-27. Review status: criteria provided, single submitter. Criteria: Ambry Variant Classification Scheme 2023. Collection method: clinical testing. Allele origin: germline.

Pittsburgh Clinical Genomics Laboratory, University of Pittsburgh Medical Center
Classification: Uncertain significance for Cholestasis, progressive familial intrahepatic, 10. Last evaluated: 2023-05-11. Review status: criteria provided, single submitter. Criteria: ACMG Guidelines, 2015. Collection method: clinical testing. Allele origin: germline. Inheritance: Autosomal recessive inheritance. Affected: yes.
Comment: This sequence variant is a single nucleotide substitution (G>T) at position 5041 of the coding sequence of the MYO5B gene that results in a valine to leucine amino acid change at residue 1681 of the myosin VB protein. This residue falls in the cargo binding domain (PMID: 24248336) which plays an important role in the transportation of substrates within the cell. This is a previously reported variant (ClinVar) that has not been observed in the literature in individuals with MYO5B-related illness, to our knowledge. This variant is present in 29 of 280622 alleles (0.0103%) in the gnomAD population dataset. Multiple bioinformatic tools predict that this Val to Leu amino acid change would be neutral, and the Val1681 residue at this position is highly conserved across the vertebrate species examined. Studies examining the functiol consequence of this variant have not been performed, to our knowledge. At this time, there is insufficient evidence to determine if this variant is pathogenic or benign. Therefore, we consider this a variant of uncertain significance. ACMG Criteria: BP1, BP4

Labcorp Genetics (formerly Invitae), Labcorp
Classification: Uncertain significance. Last evaluated: 2022-08-19. Review status: criteria provided, single submitter. Criteria: Invitae Variant Classification Sherloc (09022015). Collection method: clinical testing. Allele origin: germline.
Comment: This sequence change replaces valine, which is neutral and non-polar, with leucine, which is neutral and non-polar, at codon 1681 of the MYO5B protein (p.Val1681Leu). The frequency data for this variant in the population databases is considered unreliable, as metrics indicate poor data quality at this position in the gnomAD database. This variant has not been reported in the literature in individuals affected with MYO5B-related conditions. ClinVar contains an entry for this variant (Variation ID: 327003). Algorithms developed to predict the effect of missense changes on protein structure and function are either unavailable or do not agree on the potential impact of this missense change (SIFT: "Deleterious"; PolyPhen-2: "Possibly Damaging"; Align-GVGD: "Class C0"). In summary, the available evidence is currently insufficient to determine the role of this variant in disease. Therefore, it has been classified as a Variant of Uncertain Significance.

Illumina Laboratory Services, Illumina
Classification: Uncertain significance for Congenital microvillous atrophy. Last evaluated: 2018-01-13. Review status: criteria provided, single submitter. Criteria: ICSL Variant Classification Criteria 13 December 2019. Collection method: clinical testing. Allele origin: germline.

Literature cited by the submitters: PubMed 24248336 (cited by Pittsburgh Clinical Genomics Laboratory, University of Pittsburgh Medical Center).

NM_001080467.3(MYO5B):c.5041G>T (p.Val1681Leu)

Genes: MYO5B (myosin VB; minus strand), SNHG22 (small nucleolar RNA host gene 22; plus strand). Cytogenetic location: 18q21.1.
Variant type: single nucleotide variant.
Coding change: c.5041G>T on transcript NM_001080467.3 (MANE Select); coding-DNA position 5041, G replaced by T.
Protein change: p.Val1681Leu; replaces valine 1681 with leucine.
Molecular consequence: missense variant.
Genome position (GRCh38, 1-based): chr18:49,837,614, C>A on the plus strand (G>T on the coding strand, the complement: MYO5B is on the minus strand). VCF-style: chr18-49837614-C-A. GRCh37 (hg19) VCF-style: chr18-47363984-C-A.
Other names: short protein forms V1681L.
Identifiers: ClinVar variation 327003 (VCV000327003.12), dbSNP rs200540643, ClinGen allele CA8960163.